The following is an entry in ClinVar:

NM_172369.5(C1QC):c.550C>T (p.Arg184Cys)

Gene: C1QC (complement C1q C chain; plus strand). Cytogenetic location: 1p36.12.
Variant type: single nucleotide variant.
Coding change: c.550C>T on transcript NM_172369.5 (MANE Select); coding-DNA position 550, C replaced by T.
Protein change: p.Arg184Cys; replaces arginine 184 with cysteine.
Molecular consequence: missense variant.
Genome position (GRCh38, 1-based): chr1:22,647,595, C>T. VCF-style: chr1-22647595-C-T. GRCh37 (hg19) VCF-style: chr1-22974088-C-T.
Other names: c.550C>T, p.Arg184Cys (NM_001114101.3, NM_001347619.2); c.283C>T, p.Arg95Cys (NM_001347620.2); short protein forms R184C, R95C.
Identifiers: ClinVar variation 1909985 (VCV001909985.2), dbSNP rs777624236, ClinGen allele CA678009.

ClinVar aggregate classification (germline): Uncertain significance (1 of 4 stars; one submission).

Allele frequency attached by ClinVar (database versions not stated): ExAC 0.00002; TOPMed 0.00003; gnomAD 0.00004.
gnomAD v4.1: 71 of 1,614,126 alleles (0.0044%); highest among the groups gnomAD compares: Middle Eastern, 0.016%; no homozygotes.

Submission:

Labcorp Genetics (formerly Invitae), Labcorp
Classification: Uncertain significance. Last evaluated: 2022-06-27. Review status: criteria provided, single submitter. Criteria: Invitae Variant Classification Sherloc (09022015). Collection method: clinical testing. Allele origin: germline.
Comment: This sequence change replaces arginine, which is basic and polar, with cysteine, which is neutral and slightly polar, at codon 184 of the C1QC protein (p.Arg184Cys). This variant is present in population databases (rs777624236, gnomAD 0.006%). This variant has not been reported in the literature in individuals affected with C1QC-related conditions. Algorithms developed to predict the effect of missense changes on protein structure and function are either unavailable or do not agree on the potential impact of this missense change (SIFT: "Deleterious"; PolyPhen-2: "Probably Damaging"; Align-GVGD: "Class C15"). In summary, the available evidence is currently insufficient to determine the role of this variant in disease. Therefore, it has been classified as a Variant of Uncertain Significance.